The following is an entry in ClinVar:

NM_181503.3(EXOSC8):c.67C>T (p.Arg23Cys)

Gene: EXOSC8 (exosome component 8; plus strand). Cytogenetic location: 13q13.3.
Variant type: single nucleotide variant.
Coding change: c.67C>T on transcript NM_181503.3 (MANE Select); coding-DNA position 67, C replaced by T.
Protein change: p.Arg23Cys; replaces arginine 23 with cysteine.
Molecular consequence: missense variant.
Genome position (GRCh38, 1-based): chr13:37,002,500, C>T. VCF-style: chr13-37002500-C-T. GRCh37 (hg19) VCF-style: chr13-37576637-C-T.
Other names: short protein forms R23C.
Identifiers: ClinVar variation 4857485 (VCV004857485.1).
Genomic context (GRCh38, chr13:37,002,500, plus strand): 5'-AAATATGTAATAGGTATAATCTATTTTTATATAAACATATTTATTTAGAAAGAGAACTGC[C>T]GTCCTGATGGAAGAGAACTTGGTGAATTCAGAACCACAACTGTCAACATCGGTAAGGATG-3'
Protein context (NP_852480.1, residues 13-33): YYRRFLKENC[Arg23Cys]PDGRELGEFR

ClinVar aggregate classification (germline): Uncertain significance (1 of 4 stars; one submission).

Conditions:
Pontocerebellar hypoplasia, type 1C. Also called: HYPOMYELINATION WITH SPINAL MUSCULAR ATROPHY AND CEREBELLAR HYPOPLASIA. Identifiers: Orphanet 2254, MedGen C4015160, MONDO:0014485, OMIM 616081.

gnomAD v4.1: 4 of 1,580,048 alleles (0.00025%); highest among the groups gnomAD compares: South Asian, 0.0012%; no homozygotes.

Submission:

Suma Genomics
Classification: Uncertain significance for Pontocerebellar hypoplasia, type 1C. Review status: criteria provided, single submitter. Criteria: ACMG Guidelines, 2015. Collection method: clinical testing. Allele origin: germline. Inheritance: Autosomal recessive inheritance. Affected: yes. Observed: 1 variant allele, 1 homozygote.
Comment: This variant is observed in four individuals in the gnomAD database in heterozygous state. In-silico analysis tool REVEL is consistent in predicting this variant to be disease-causing. ACMG classification: Variant of uncertain significance Criteria met: PM2_Supporting: Extremely low frequency in gnomAD population databases PP3_Moderate: For a missense variant, computational prediction tools unanimously support a deleterious effect on the gene